The following is an entry in ClinVar:

ClinVar aggregate classification (germline): Benign/Likely benign. Review status: criteria provided, multiple submitters, no conflicts (2 of 4 stars). 3 submissions from 3 submitters: Benign (1); Likely benign (2). Last evaluated 2025-06-11.

Conditions:
Hereditary leiomyomatosis and renal cell cancer. Also called: FH tumor predisposition syndrome; MULTIPLE CUTANEOUS AND UTERINE LEIOMYOMATA 1, WITH OR WITHOUT RENAL CELL CARCINOMA; Familial leiomyomatosis; Multiple cutaneous leiomyomas; LEIOMYOMA, MULTIPLE CUTANEOUS; Reed syndrome. Identifiers: Orphanet 523, MedGen C1708350, MONDO:0007888, OMIM 150800, HP:0007437. Disease mechanism: loss of function.

Allele frequency attached by ClinVar (database versions not stated): gnomAD exomes 0.00003; ExAC 0.00005.
gnomAD v4.1: 41 of 1,609,064 alleles (0.0025%); highest among the groups gnomAD compares: South Asian, 0.045%; 2 homozygotes.

Submissions (3):

Labcorp Genetics (formerly Invitae), Labcorp
Classification: Likely benign. Last evaluated: 2025-06-11. Review status: criteria provided, single submitter. Criteria: Invitae Variant Classification Sherloc (09022015). Collection method: clinical testing. Allele origin: germline.

Myriad Genetics, Inc.
Classification: Benign for Hereditary leiomyomatosis and renal cell cancer. Last evaluated: 2024-09-11. Review status: criteria provided, single submitter. Criteria: Myriad Autosomal Dominant, Autosomal Recessive and X-Linked Classification Criteria (2023). Collection method: clinical testing. Allele origin: unknown.
Comment: This variant is considered benign. This variant is intronic and is not expected to impact mRNA splicing. This variant has been observed at a population frequency that is significantly greater than expected given the associated disease prevalence and penetrance.

Blueprint Genetics
Classification: Likely benign. Last evaluated: 2021-05-17. Review status: criteria provided, single submitter. Criteria: ACMG Guidelines, 2015. Collection method: clinical testing. Allele origin: germline.

NM_000143.4(FH):c.379-17T>C

Gene: FH (fumarate hydratase; minus strand). Cytogenetic location: 1q43.
Variant type: single nucleotide variant.
Coding change: c.379-17T>C on transcript NM_000143.4 (MANE Select); 17 bases into the intron before coding-DNA position 379, T replaced by C.
Molecular consequence: intron variant.
Genome position (GRCh38, 1-based): chr1:241,512,160, A>G on the plus strand (T>C on the coding strand, the complement: FH is on the minus strand). VCF-style: chr1-241512160-A-G. GRCh37 (hg19) VCF-style: chr1-241675460-A-G.
Identifiers: ClinVar variation 2190599 (VCV002190599.6), dbSNP rs201689081, ClinGen allele CA1478692.